The following is an entry in ClinVar:

NM_133642.5(LARGE1):c.552G>A (p.Thr184=)

Gene: LARGE1 (LARGE xylosyl- and glucuronyltransferase 1; minus strand). Cytogenetic location: 22q12.3.
Variant type: single nucleotide variant.
Coding change: c.552G>A on transcript NM_133642.5 (MANE Select); coding-DNA position 552, G replaced by A.
Protein change: p.Thr184=; no amino-acid change (threonine 184 retained).
Molecular consequence: synonymous variant.
Genome position (GRCh38, 1-based): chr22:33,604,498, C>T on the plus strand (G>A on the coding strand, the complement: LARGE1 is on the minus strand). VCF-style: chr22-33604498-C-T. GRCh37 (hg19) VCF-style: chr22-34000484-C-T.
Other names: p.Thr184=; c.552G>A (NM_004737.6); c.552G>A, p.Thr184= (NM_001362949.2, NM_001362951.2, NM_001362953.2 and 7 more transcripts).
Identifiers: ClinVar variation 158808 (VCV000158808.22), dbSNP rs8142483, ClinGen allele CA172470.

ClinVar aggregate classification (germline): Benign. Review status: criteria provided, multiple submitters, no conflicts (2 of 4 stars). 8 submissions from 7 submitters: Benign (7). 1 of the submissions does not count toward it. Last evaluated 2026-01-28.

Conditions:
Muscular dystrophy-dystroglycanopathy (congenital with brain and eye anomalies), type A6. Also called: MUSCULAR DYSTROPHY-DYSTROGLYCANOPATHY (CONGENITAL WITH BRAIN AND EYE ANOMALIES), TYPE A, 6; WALKER-WARBURG SYNDROME OR MUSCLE-EYE-BRAIN DISEASE, LARGE-RELATED. Identifiers: Orphanet 588, Orphanet 899, MedGen C3150414, MONDO:0013158, OMIM 613154.
Muscular dystrophy-dystroglycanopathy type B6 (MDDGB6). Also called: MUSCULAR DYSTROPHY-DYSTROGLYCANOPATHY (CONGENITAL WITH IMPAIRED INTELLECTUAL DEVELOPMENT), TYPE B, 6; MUSCULAR DYSTROPHY, CONGENITAL, LARGE-RELATED; MUSCULAR DYSTROPHY, CONGENITAL, TYPE 1D. Identifiers: MedGen C1837229, MONDO:0012138, OMIM 608840.

Allele frequency attached by ClinVar (database versions not stated): gnomAD exomes 0.00080 and 0.00204; ExAC 0.00262; 1000 Genomes Project 0.00819; gnomAD 0.00820 and 0.00887; 1000 Genomes Project 30x 0.00921; TOPMed 0.00927; ESP Exome Variant Server 0.00976.
gnomAD v4.1: 2,461 of 1,614,034 alleles (0.15%); highest among the groups gnomAD compares: African/African-American, 2.9%; 22 homozygotes.

Submissions (8):

Labcorp Genetics (formerly Invitae), Labcorp
Classification: Benign for Muscular dystrophy-dystroglycanopathy type B6. Last evaluated: 2026-01-28. Review status: criteria provided, single submitter. Criteria: Invitae Variant Classification Sherloc (09022015). Collection method: clinical testing. Allele origin: germline.

Mayo Clinic Laboratories, Mayo Clinic
Classification: Benign. Last evaluated: 2024-06-14. Review status: criteria provided, single submitter. Criteria: ACMG Guidelines, 2015. Collection method: clinical testing. Allele origin: germline. Observed: 9 variant alleles.
Comment: BS1, BS2, BP4, BP7

Illumina Laboratory Services, Illumina
Classification: Benign for Muscular dystrophy-dystroglycanopathy type B6. Last evaluated: 2018-01-12. Review status: criteria provided, single submitter. Criteria: ICSL Variant Classification Criteria 13 December 2019. Collection method: clinical testing. Allele origin: germline.
Comment: This variant was observed in the ICSL laboratory as part of a predisposition screen in an ostensibly healthy population. It had not been previously curated by ICSL or reported in the Human Gene Mutation Database (HGMD: prior to June 1st, 2018), and was therefore a candidate for classification through an automated scoring system. Utilizing variant allele frequency, disease prevalence and penetrance estimates, and inheritance mode, an automated score was calculated to assess if this variant is too frequent to cause the disease. Based on the score and internal cut-off values, a variant classified as benign is not then subjected to further curation. The score for this variant resulted in a classification of benign for this disease.

Illumina Laboratory Services, Illumina
Classification: Benign for Muscular dystrophy-dystroglycanopathy (congenital with brain and eye anomalies), type A6. Last evaluated: 2018-01-12. Review status: criteria provided, single submitter. Criteria: ICSL Variant Classification Criteria 13 December 2019. Collection method: clinical testing. Allele origin: germline.
Comment: the same text as in the submission from Illumina Laboratory Services, Illumina above.

GeneDx
Classification: Benign. Last evaluated: 2016-06-17. Review status: criteria provided, single submitter. Criteria: GeneDx Variant Classification (06012015). Collection method: clinical testing. Allele origin: germline. Affected: yes.
Comment: This variant is considered likely benign or benign based on one or more of the following criteria: it is a conservative change, it occurs at a poorly conserved position in the protein, it is predicted to be benign by multiple in silico algorithms, and/or has population frequency not consistent with disease.

Breakthrough Genomics
Classification: Benign. Review status: criteria provided, single submitter. Criteria: ACMG Guidelines, 2015. Collection method: not provided. Allele origin: germline. Inheritance: Autosomal recessive inheritance. Affected: yes.

PreventionGenetics, part of Exact Sciences
Classification: Benign. Review status: criteria provided, single submitter. Criteria: ACMG Guidelines, 2015. Collection method: clinical testing. Allele origin: germline.

Genetic Services Laboratory, University of Chicago
Classification: Likely benign. Review status: no assertion criteria provided. Collection method: clinical testing. Allele origin: germline. Inheritance: Autosomal recessive inheritance. Not counted in ClinVar's aggregate classification.
Comment: Likely benign based on allele frequency in 1000 Genomes Project or ESP global frequency and its presence in a patient with a rare or unrelated disease phenotype. NOT Sanger confirmed